The following is an entry in ClinVar:

ClinVar aggregate classification (germline): Uncertain significance (1 of 4 stars; one submission).

Allele frequency attached by ClinVar (database versions not stated): TOPMed below 0.00001; gnomAD 0.00001.
gnomAD v4.1: 8 of 1,593,928 alleles (0.0005%); highest among the groups gnomAD compares: Non-Finnish European, 0.00068%; no homozygotes.

Submission:

Labcorp Genetics (formerly Invitae), Labcorp
Classification: Uncertain significance. Last evaluated: 2026-01-05. Review status: criteria provided, single submitter. Criteria: Invitae Variant Classification Sherloc (09022015). Collection method: clinical testing. Allele origin: germline.
Comment: This sequence change replaces threonine, which is neutral and polar, with serine, which is neutral and polar, at codon 15 of the C3 protein (p.Thr15Ser). This variant is present in population databases (no rsID available, gnomAD 0.01%). This variant has not been reported in the literature in individuals affected with C3-related conditions. ClinVar contains an entry for this variant (Variation ID: 2063711). An algorithm developed to predict the effect of missense changes on protein structure and function outputs the following: PolyPhen-2: "Not Available". The serine amino acid residue is found in multiple mammalian species, which suggests that this missense change does not adversely affect protein function. In summary, the available evidence is currently insufficient to determine the role of this variant in disease. Therefore, it has been classified as a Variant of Uncertain Significance.

NM_000064.4(C3):c.44C>G (p.Thr15Ser)

Gene: C3 (complement C3; minus strand). Cytogenetic location: 19p13.3.
Variant type: single nucleotide variant.
Coding change: c.44C>G on transcript NM_000064.4 (MANE Select); coding-DNA position 44, C replaced by G.
Protein change: p.Thr15Ser; replaces threonine 15 with serine.
Molecular consequence: missense variant.
Genome position (GRCh38, 1-based): chr19:6,720,546, G>C on the plus strand (C>G on the coding strand, the complement: C3 is on the minus strand). VCF-style: chr19-6720546-G-C. GRCh37 (hg19) VCF-style: chr19-6720557-G-C.
Other names: short protein forms T15S.
Identifiers: ClinVar variation 2063711 (VCV002063711.4), dbSNP rs776845513, ClinGen allele CA403646412.